The following is an entry in ClinVar:

ClinVar aggregate classification (germline): Pathogenic (1 of 4 stars; one submission).

Allele frequency attached by ClinVar (database versions not stated): TOPMed below 0.00001; gnomAD exomes 0.00001; ExAC 0.00005; ESP Exome Variant Server 0.00022.

Submission:

Labcorp Genetics (formerly Invitae), Labcorp
Classification: Pathogenic. Last evaluated: 2019-08-17. Review status: criteria provided, single submitter. Criteria: Invitae Variant Classification Sherloc (09022015). Collection method: clinical testing. Allele origin: germline.
Comment: This variant is present in population databases (rs368299751, ExAC 0.04%). For these reasons, this variant has been classified as Pathogenic. Loss-of-function variants in LOXHD1 are known to be pathogenic (PMID: 19732867, 21465660, 25792669). This variant has not been reported in the literature in individuals with LOXHD1-related conditions. This sequence change creates a premature translational stop signal (p.Trp374*) in the LOXHD1 gene. It is expected to result in an absent or disrupted protein product.

Literature cited by the submitters: PubMed 19732867; PubMed 21465660; PubMed 25792669.

NM_001384474.1(LOXHD1):c.1121G>A (p.Trp374Ter)

Gene: LOXHD1 (lipoxygenase homology PLAT domains 1; minus strand). Cytogenetic location: 18q21.1.
Variant type: single nucleotide variant.
Coding change: c.1121G>A on transcript NM_001384474.1 (MANE Select); coding-DNA position 1121, G replaced by A.
Protein change: p.Trp374Ter; replaces tryptophan 374 with a stop codon.
Molecular consequence: nonsense.
Genome position (GRCh38, 1-based): chr18:46,601,230, C>T on the plus strand (G>A on the coding strand, the complement: LOXHD1 is on the minus strand). VCF-style: chr18-46601230-C-T. GRCh37 (hg19) VCF-style: chr18-44181193-C-T.
Other names: c.1121G>A, p.Trp374Ter (NM_144612.7); short protein forms W374*.
Identifiers: ClinVar variation 957746 (VCV000957746.7), dbSNP rs368299751, ClinGen allele CA8952846.